The following is an entry in ClinVar:

NM_018124.4(RFWD3):c.527C>T (p.Ala176Val)

Gene: RFWD3 (ring finger and WD repeat domain 3; minus strand). Cytogenetic location: 16q23.1.
Variant type: single nucleotide variant.
Coding change: c.527C>T on transcript NM_018124.4 (MANE Select); coding-DNA position 527, C replaced by T.
Protein change: p.Ala176Val; replaces alanine 176 with valine.
Molecular consequence: missense variant. On other transcripts: 5 prime UTR variant (4), intron variant (1).
Genome position (GRCh38, 1-based): chr16:74,652,114, G>A on the plus strand (C>T on the coding strand, the complement: RFWD3 is on the minus strand). VCF-style: chr16-74652114-G-A. GRCh37 (hg19) VCF-style: chr16-74686012-G-A.
Other names: c.527C>T, p.Ala176Val (NM_001370534.1, NM_001370535.1, NM_001370536.1); c.-482C>T (NM_001370537.1); c.-308C>T (NM_001370540.1); c.-359C>T (NM_001370542.1); c.-237C>T (NM_001370543.1); c.-113-2912C>T (NM_001370539.1); short protein forms A176V.
Identifiers: ClinVar variation 2020120 (VCV002020120.4), dbSNP rs2544093515, ClinGen allele CA396763713.

ClinVar aggregate classification (germline): Uncertain significance (1 of 4 stars; one submission).

Submission:

Labcorp Genetics (formerly Invitae), Labcorp
Classification: Uncertain significance. Last evaluated: 2022-07-29. Review status: criteria provided, single submitter. Criteria: Invitae Variant Classification Sherloc (09022015). Collection method: clinical testing. Allele origin: germline.
Comment: This sequence change replaces alanine, which is neutral and non-polar, with valine, which is neutral and non-polar, at codon 176 of the RFWD3 protein (p.Ala176Val). This variant is not present in population databases (gnomAD no frequency). This variant has not been reported in the literature in individuals affected with RFWD3-related conditions. Algorithms developed to predict the effect of missense changes on protein structure and function (SIFT, PolyPhen-2, Align-GVGD) all suggest that this variant is likely to be tolerated. Algorithms developed to predict the effect of sequence changes on RNA splicing suggest that this variant may create or strengthen a splice site. In summary, the available evidence is currently insufficient to determine the role of this variant in disease. Therefore, it has been classified as a Variant of Uncertain Significance.